The following is an entry in ClinVar:

NM_004092.4(ECHS1):c.867C>G (p.Asp289Glu)

Gene: ECHS1 (enoyl-CoA hydratase, short chain 1; minus strand). Cytogenetic location: 10q26.3.
Variant type: single nucleotide variant.
Coding change: c.867C>G on transcript NM_004092.4 (MANE Select); coding-DNA position 867, C replaced by G.
Protein change: p.Asp289Glu; replaces aspartic acid 289 with glutamic acid.
Molecular consequence: missense variant.
Genome position (GRCh38, 1-based): chr10:133,362,874, G>C on the plus strand (C>G on the coding strand, the complement: ECHS1 is on the minus strand). VCF-style: chr10-133362874-G-C. GRCh37 (hg19) VCF-style: chr10-135176378-G-C.
Other names: short protein forms D289E.
Identifiers: ClinVar variation 1500660 (VCV001500660.8), dbSNP rs1848982618, ClinGen allele CA378816871.

ClinVar aggregate classification (germline): Uncertain significance (1 of 4 stars; one submission).

Allele frequency attached by ClinVar (database versions not stated): TOPMed 0.00001.

Submission:

Labcorp Genetics (formerly Invitae), Labcorp
Classification: Uncertain significance. Last evaluated: 2022-12-06. Review status: criteria provided, single submitter. Criteria: Invitae Variant Classification Sherloc (09022015). Collection method: clinical testing. Allele origin: germline.
Comment: This sequence change replaces aspartic acid, which is acidic and polar, with glutamic acid, which is acidic and polar, at codon 289 of the ECHS1 protein (p.Asp289Glu). This variant is not present in population databases (gnomAD no frequency). This variant has not been reported in the literature in individuals affected with ECHS1-related conditions. ClinVar contains an entry for this variant (Variation ID: 1500660). Advanced modeling of protein sequence and biophysical properties (such as structural, functional, and spatial information, amino acid conservation, physicochemical variation, residue mobility, and thermodynamic stability) performed at Invitae indicates that this missense variant is expected to disrupt ECHS1 protein function. In summary, the available evidence is currently insufficient to determine the role of this variant in disease. Therefore, it has been classified as a Variant of Uncertain Significance.